The following is an entry in ClinVar:

NM_000038.6(APC):c.1267T>G (p.Trp423Gly)

Gene: APC (APC regulator of Wnt signaling pathway; plus strand). Cytogenetic location: 5q22.2.
Variant type: single nucleotide variant.
Coding change: c.1267T>G on transcript NM_000038.6 (MANE Select); coding-DNA position 1267, T replaced by G.
Protein change: p.Trp423Gly; replaces tryptophan 423 with glycine.
Molecular consequence: missense variant.
Genome position (GRCh38, 1-based): chr5:112,819,299, T>G. VCF-style: chr5-112819299-T-G. GRCh37 (hg19) VCF-style: chr5-112154996-T-G.
Other names: c.1267T>G, p.Trp423Gly (NM_001127510.3, NM_001354895.2, NM_001354896.2); c.1213T>G, p.Trp405Gly (NM_001127511.3); c.1297T>G, p.Trp433Gly (NM_001354897.2); c.1192T>G, p.Trp398Gly (NM_001354898.2); c.1183T>G, p.Trp395Gly (NM_001354899.2); c.1090T>G, p.Trp364Gly (NM_001354900.2, NM_001354901.2); c.994T>G, p.Trp332Gly (NM_001354902.2); c.964T>G, p.Trp322Gly (NM_001354903.2); and 3 more; short protein forms W364G, W395G, W398G, W263G, W297G, W423G, W140G, W332G.
Identifiers: ClinVar variation 818756 (VCV000818756.9), dbSNP rs1580531310, ClinGen allele CA16024078.
Genomic context (GRCh38, chr5:112,819,299, plus strand): 5'-GAAATCCGAGTCCTTCATCTTTTGGAACAGATACGCGCTTACTGTGAAACCTGTTGGGAG[T>G]GGCAGGAAGCTCATGAACCAGGCATGGACCAGGACAAAAATCCAAGTATGTTCTCTATAG-3'
Protein context (NP_000029.2, residues 413-433): IRAYCETCWE[Trp423Gly]QEAHEPGMDQ

ClinVar aggregate classification (germline): Uncertain significance. Review status: criteria provided, multiple submitters, no conflicts (2 of 4 stars). 2 submissions from 2 submitters: Uncertain significance (2). Last evaluated 2025-11-16.

Conditions:
Familial adenomatous polyposis 1 (FAP1). Also called: FAMILIAL ADENOMATOUS POLYPOSIS 1, ATTENUATED; POLYPOSIS, ADENOMATOUS INTESTINAL. Identifiers: MedGen C2713442, MONDO:0021056, OMIM 175100. Disease mechanism: loss of function.
Hereditary cancer-predisposing syndrome. Also called: Tumor predisposition; Hereditary neoplastic syndrome; Neoplastic Syndromes, Hereditary; Hereditary Cancer Syndrome. Identifiers: Orphanet 140162, MedGen C0027672, MeSH D009386, MONDO:0015356.

Submissions (2):

Labcorp Genetics (formerly Invitae), Labcorp
Classification: Uncertain significance for Familial adenomatous polyposis 1. Last evaluated: 2025-11-16. Review status: criteria provided, single submitter. Criteria: Invitae Variant Classification Sherloc (09022015). Collection method: clinical testing. Allele origin: germline.
Comment: This sequence change replaces tryptophan, which is neutral and slightly polar, with glycine, which is neutral and non-polar, at codon 423 of the APC protein (p.Trp423Gly). This variant is not present in population databases (gnomAD no frequency). This variant has not been reported in the literature in individuals affected with APC-related conditions. ClinVar contains an entry for this variant (Variation ID: 818756). Invitae Evidence Modeling of protein sequence and biophysical properties (such as structural, functional, and spatial information, amino acid conservation, physicochemical variation, residue mobility, and thermodynamic stability) has been performed for this missense variant. However, the output from this modeling did not meet the statistical confidence thresholds required to predict the impact of this variant on APC protein function. In summary, the available evidence is currently insufficient to determine the role of this variant in disease. Therefore, it has been classified as a Variant of Uncertain Significance.

Ambry Genetics
Classification: Uncertain significance for Hereditary cancer-predisposing syndrome. Last evaluated: 2018-07-12. Review status: criteria provided, single submitter. Criteria: Ambry Variant Classification Scheme 2023. Collection method: clinical testing. Allele origin: germline.
Comment: The p.W423G variant (also known as c.1267T>G), located in coding exon 9 of the APC gene, results from a T to G substitution at nucleotide position 1267. The tryptophan at codon 423 is replaced by glycine, an amino acid with highly dissimilar properties. This amino acid position is highly conserved in available vertebrate species. In addition, in silico predictors for this gene do not accurately predict pathogenicity. Since supporting evidence is limited at this time, the clinical significance of this alteration remains unclear.